The following is an entry in ClinVar:

ClinVar aggregate classification (germline): Pathogenic (1 of 4 stars; one submission).

Submission:

GeneDx
Classification: Pathogenic. Last evaluated: 2015-03-27. Review status: criteria provided, single submitter. Criteria: GeneDx Variant Classification (06012015). Collection method: clinical testing. Allele origin: germline. Affected: yes.
Comment: The Y111X variant in the RSPH9 gene has not been reported previously as a pathogenic variantnor as a benign polymorphism, to our knowledge. This variant is predicted to cause loss of normal proteinfunction either through protein truncation or nonsense-mediated mRNA decay. The Y111X variant wasnot observed in approximately 6500 individuals of European and African American ancestry in the NHLBIExome Sequencing Project, indicating it is not a common benign variant in these populations. We interpretY111X as a pathogenic variant.

NM_152732.5(RSPH9):c.333T>G (p.Tyr111Ter)

Gene: RSPH9 (radial spoke head component 9; plus strand). Cytogenetic location: 6p21.1.
Variant type: single nucleotide variant.
Coding change: c.333T>G on transcript NM_152732.5 (MANE Select); coding-DNA position 333, T replaced by G.
Protein change: p.Tyr111Ter; replaces tyrosine 111 with a stop codon.
Molecular consequence: nonsense. On other transcripts: non-coding transcript variant (1).
Genome position (GRCh38, 1-based): chr6:43,650,480, T>G. VCF-style: chr6-43650480-T-G. GRCh37 (hg19) VCF-style: chr6-43618217-T-G.
Other names: c.333T>G, p.Tyr111Ter (NM_001193341.2, NM_001424119.1, NM_001424120.1 and 1 more transcripts); short protein forms Y111*.
Identifiers: ClinVar variation 379253 (VCV000379253.4), dbSNP rs1057520543, ClinGen allele CA16605540.